The following is an entry in ClinVar:

NM_025150.5(TARS2):c.1812G>C (p.Gly604=)

Gene: TARS2 (threonyl-tRNA synthetase 2, mitochondrial; plus strand). Cytogenetic location: 1q21.2.
Variant type: single nucleotide variant.
Coding change: c.1812G>C on transcript NM_025150.5 (MANE Select); coding-DNA position 1812, G replaced by C.
Protein change: p.Gly604=; no amino-acid change (glycine 604 retained).
Molecular consequence: synonymous variant. On other transcripts: non-coding transcript variant (2).
Genome position (GRCh38, 1-based): chr1:150,504,725, G>C. VCF-style: chr1-150504725-G-C. GRCh37 (hg19) VCF-style: chr1-150477201-G-C.
Other names: c.1566G>C, p.Gly522= (NM_001271895.2); c.1422G>C, p.Gly474= (NM_001271896.2).
Identifiers: ClinVar variation 1317688 (VCV001317688.33), dbSNP rs144477069, ClinGen allele CA1077155.

ClinVar aggregate classification (germline): Likely benign. Review status: criteria provided, multiple submitters, no conflicts (2 of 4 stars). 3 submissions from 3 submitters: Likely benign (3). Last evaluated 2025-10-08.

Allele frequency attached by ClinVar (database versions not stated): ExAC 0.00012; ESP Exome Variant Server 0.00015; TOPMed 0.00016; gnomAD 0.00017 and 0.00018.
gnomAD v4.1: 361 of 1,614,098 alleles (0.022%); highest among the groups gnomAD compares: Middle Eastern, 0.049%; 1 homozygote.

Submissions (3):

Labcorp Genetics (formerly Invitae), Labcorp
Classification: Likely benign. Last evaluated: 2025-10-08. Review status: criteria provided, single submitter. Criteria: Invitae Variant Classification Sherloc (09022015). Collection method: clinical testing. Allele origin: germline.

CeGaT Center for Human Genetics Tuebingen
Classification: Likely benign. Last evaluated: 2022-09-01. Review status: criteria provided, single submitter. Criteria: CeGaT Center For Human Genetics Tuebingen Variant Classification Criteria Version 2. Collection method: clinical testing. Allele origin: germline. Affected: yes. Observed: 1 variant allele.
Comment: TARS2: BP4, BP7

GeneDx
Classification: Likely benign. Last evaluated: 2021-06-10. Review status: criteria provided, single submitter. Criteria: GeneDx Variant Classification Process June 2021. Collection method: clinical testing. Allele origin: germline. Affected: yes.